The following is an entry in ClinVar:

NM_024422.6(DSC2):c.2234C>G (p.Pro745Arg)

Gene: DSC2 (desmocollin 2; minus strand). Cytogenetic location: 18q12.1.
Variant type: single nucleotide variant.
Coding change: c.2234C>G on transcript NM_024422.6 (MANE Select); coding-DNA position 2234, C replaced by G.
Protein change: p.Pro745Arg; replaces proline 745 with arginine.
Molecular consequence: missense variant.
Genome position (GRCh38, 1-based): chr18:31,070,742, G>C on the plus strand (C>G on the coding strand, the complement: DSC2 is on the minus strand). VCF-style: chr18-31070742-G-C. GRCh37 (hg19) VCF-style: chr18-28650708-G-C.
Other names: c.1805C>G, p.Pro602Arg (NM_001406506.1, NM_001406507.1); c.2234C>G, p.Pro745Arg (NM_004949.5); short protein forms P602R, P745R.
Identifiers: ClinVar variation 4075728 (VCV004075728.1).
Genomic context (GRCh38, chr18:31,070,742, plus strand): 5'-GCGAATTCATCCTTTGTATTTATTTAAAAAGCCAGACTACTTACCACTTTGTCATCTCCA[G>C]GAGCTTCTGTGTTTGATACAATTAGGTTCTGCTGGGCTAAATCATCAGGAATTACTTTTG-3'
Protein context (NP_077740.1, residues 735-755): QNLIVSNTEA[Pro745Arg]GDDKVYSANG

ClinVar aggregate classification (germline): Uncertain significance (1 of 4 stars; one submission).

Submission:

GeneDx
Classification: Uncertain significance. Last evaluated: 2025-02-18. Review status: criteria provided, single submitter. Criteria: GeneDx Variant Classification Process June 2021. Collection method: clinical testing. Allele origin: germline. Affected: yes.
Comment: Not observed at significant frequency in large population cohorts (gnomAD); In silico analysis supports that this missense variant has a deleterious effect on protein structure/function; Has not been previously published as pathogenic or benign to our knowledge